The following is an entry in ClinVar:

ClinVar aggregate classification (germline): Uncertain significance (1 of 4 stars; one submission).

Conditions:
Familial hemophagocytic lymphohistiocytosis 5. Also called: STXBP2-Related Familial Hemophagocytic Lymphohistiocytosis (STXBP2-fHLH). Identifiers: Orphanet 540, MedGen C2751293, MONDO:0013135, OMIM 613101.

gnomAD v4.1: 7 of 1,614,016 alleles (0.00043%); highest among the groups gnomAD compares: Non-Finnish European, 0.00059%; no homozygotes.

Submission:

Labcorp Genetics (formerly Invitae), Labcorp
Classification: Uncertain significance for Familial hemophagocytic lymphohistiocytosis 5. Last evaluated: 2025-04-03. Review status: criteria provided, single submitter. Criteria: Invitae Variant Classification Sherloc (09022015). Collection method: clinical testing. Allele origin: germline.
Comment: This sequence change replaces glycine, which is neutral and non-polar, with serine, which is neutral and polar, at codon 359 of the STXBP2 protein (p.Gly359Ser). This variant is not present in population databases (gnomAD no frequency). This variant has not been reported in the literature in individuals affected with STXBP2-related conditions. Invitae Evidence Modeling of protein sequence and biophysical properties (such as structural, functional, and spatial information, amino acid conservation, physicochemical variation, residue mobility, and thermodynamic stability) indicates that this missense variant is not expected to disrupt STXBP2 protein function with a negative predictive value of 95%. In summary, the available evidence is currently insufficient to determine the role of this variant in disease. Therefore, it has been classified as a Variant of Uncertain Significance.

NM_006949.4(STXBP2):c.1075G>A (p.Gly359Ser)

Gene: STXBP2 (syntaxin binding protein 2; plus strand). Cytogenetic location: 19p13.2.
Variant type: single nucleotide variant.
Coding change: c.1075G>A on transcript NM_006949.4 (MANE Select); coding-DNA position 1075, G replaced by A.
Protein change: p.Gly359Ser; replaces glycine 359 with serine.
Molecular consequence: missense variant.
Genome position (GRCh38, 1-based): chr19:7,643,213, G>A. VCF-style: chr19-7643213-G-A. GRCh37 (hg19) VCF-style: chr19-7708099-G-A.
Other names: c.1066G>A, p.Gly356Ser (NM_001127396.3); c.1108G>A, p.Gly370Ser (NM_001272034.2); c.979G>A, p.Gly327Ser (NM_001414484.1); short protein forms G370S, G327S, G356S, G359S.
Identifiers: ClinVar variation 4764565 (VCV004764565.1).